The following is an entry in ClinVar:

NM_006245.4(PPP2R5D):c.592G>A (p.Glu198Lys)

Genes: MEA1 (male-enhanced antigen 1; minus strand), PPP2R5D (protein phosphatase 2 regulatory subunit B'delta; plus strand). Cytogenetic location: 6p21.1.
Variant type: single nucleotide variant.
Coding change: c.592G>A on transcript NM_006245.4 (MANE Select); coding-DNA position 592, G replaced by A.
Protein change: p.Glu198Lys; replaces glutamic acid 198 with lysine.
Molecular consequence: missense variant.
Genome position (GRCh38, 1-based): chr6:43,007,265, G>A. VCF-style: chr6-43007265-G-A. GRCh37 (hg19) VCF-style: chr6-42975003-G-A.
Other names: c.139G>A, p.Glu47Lys (NM_001270476.2); c.496G>A, p.Glu166Lys (NM_180976.3); c.274G>A, p.Glu92Lys (NM_180977.3); short protein forms E198K, E166K, E92K, E47K.
Identifiers: ClinVar variation 190286 (VCV000190286.83), dbSNP rs863225082, ClinGen allele CA325481.

ClinVar aggregate classification (germline): Pathogenic. Review status: criteria provided, multiple submitters, no conflicts (2 of 4 stars). 31 submissions from 30 submitters: Pathogenic (25). 6 of the submissions do not count toward it. Last evaluated 2025-12-03.

Conditions:
Inborn genetic diseases. Identifiers: MedGen C0950123, MeSH D030342.
Houge-Janssens syndrome 1. Also called: INTELLECTUAL DEVELOPMENTAL DISORDER, AUTOSOMAL DOMINANT 35; Intellectual disability-macrocephaly-hypotonia-behavioral abnormalities syndrome; PPP2R5D-Related Neurodevelopmental Disorder; Hogue-Janssens syndrome 1. Identifiers: Orphanet 457279, MedGen C5779996, MONDO:0014602, OMIM 616355.
Global developmental delay (DD). Also called: Cognitive delay. Identifiers: MedGen C0557874, HP:0001263. Disease mechanism: loss of function.
Intellectual disability. Also called: Intellectual developmental disorder; Intellectual functioning disability; intellectual disabilities. Identifiers: MedGen C3714756, MeSH D008607, MONDO:0001071, HP:0001249.
Neurodevelopmental delay. Identifiers: MedGen C4022738, HP:0012758.

Submissions 1 to 10 of 31:

Institute of Human Genetics, University of Leipzig Medical Center
Classification: Pathogenic for Houge-Janssens syndrome 1. Last evaluated: 2025-12-03. Review status: criteria provided, single submitter. Criteria: ACMG Guidelines, 2015. Collection method: clinical testing. Allele origin: unknown. Inheritance: Autosomal dominant inheritance. Affected: yes.
Comment: Criteria applied: PS2,PS3,PS4,PM1,PM2,PP2

Ambry Genetics
Classification: Pathogenic for Inborn genetic diseases. Last evaluated: 2025-05-15. Review status: criteria provided, single submitter. Criteria: Ambry Variant Classification Scheme 2023. Collection method: clinical testing. Allele origin: germline.
Comment: The c.592G>A (p.E198K) alteration is located in coding exon 5 of the PPP2R5D gene. This alteration results from a G to A substitution at nucleotide position 592, causing the glutamic acid (E) at amino acid position 198 to be replaced by a lysine (K). This variant was not reported in population-based cohorts in the Genome Aggregation Database (gnomAD). This variant was determined to be de novo in multiple individuals with features consistent with PPP2R5D-related neurodevelopmental disorder (Houge, 2015; Loveday, 2015; Jiang, 2024; Ambry internal data). This amino acid position is highly conserved in available vertebrate species. This missense alteration is located in a region that has a low rate of benign missense variation (Lek, 2016; Firth, 2009). The p.E198K amino acid is located in the protein's substrate specificity loop which is thought to participate in substrate recognition as well as assuring that the targeted amino acid is positioned near the active site (Loveday, 2015). This alteration is predicted to be deleterious by in silico analysis. Based on the available evidence, this alteration is classified as pathogenic.

Labcorp Genetics (formerly Invitae), Labcorp
Classification: Pathogenic. Last evaluated: 2025-04-14. Review status: criteria provided, single submitter. Criteria: Invitae Variant Classification Sherloc (09022015). Collection method: clinical testing. Allele origin: germline.
Comment: This sequence change replaces glutamic acid, which is acidic and polar, with lysine, which is basic and polar, at codon 198 of the PPP2R5D protein (p.Glu198Lys). This variant is not present in population databases (gnomAD no frequency). This missense change has been observed in individual(s) with PPP2R5D-related conditions (PMID: 25533962, 25972378, 26168268). In at least one individual the variant was observed to be de novo. ClinVar contains an entry for this variant (Variation ID: 190286). An algorithm developed to predict the effect of missense changes on protein structure and function (PolyPhen-2) suggests that this variant is likely to be disruptive. Experimental studies have shown that this missense change affects PPP2R5D function (PMID: 26168268). For these reasons, this variant has been classified as Pathogenic.

Institute of Immunology and Genetics Kaiserslautern
Classification: Pathogenic for Houge-Janssens syndrome 1. Last evaluated: 2025-02-19. Review status: criteria provided, single submitter. Criteria: ACMG Guidelines, 2015. Collection method: clinical testing. Allele origin: de novo. Affected: yes.
Comment: ACMG Criteria: PS2, PS3, PM1, PM2_P, PP3, PP5; Variant was found in heterozygous state. De novo-status was confirmed via in-house segregation analysis.

CeGaT Center for Human Genetics Tuebingen
Classification: Pathogenic. Last evaluated: 2024-09-01. Review status: criteria provided, single submitter. Criteria: CeGaT Center For Human Genetics Tuebingen Variant Classification Criteria Version 2. Collection method: clinical testing. Allele origin: germline. Affected: yes. Observed: 8 variant alleles.
Comment: PPP2R5D: PS2:Very Strong, PM1, PM2, PS4:Moderate, PP2, PP3, PS3:Supporting

Greenwood Genetic Center Diagnostic Laboratories, Greenwood Genetic Center
Classification: Pathogenic for Houge-Janssens syndrome 1. Last evaluated: 2023-10-04. Review status: criteria provided, single submitter. Criteria: ACMG Guidelines, 2015. Collection method: clinical testing. Allele origin: germline. Affected: yes.
Comment: PS2, PS3, PS4, PM1, PM2, PP2, PP3

Department of Human Genetics, Hannover Medical School
Classification: Pathogenic for Houge-Janssens syndrome 1. Last evaluated: 2023-05-22. Review status: criteria provided, single submitter. Criteria: ACMG Guidelines, 2015. Collection method: clinical testing. Allele origin: de novo. Inheritance: Autosomal dominant inheritance. Affected: yes.

Baylor Genetics
Classification: Pathogenic for Houge-Janssens syndrome 1. Last evaluated: 2023-04-04. Review status: criteria provided, single submitter. Criteria: ACMG Guidelines, 2015. Collection method: clinical testing. Allele origin: unknown.

Victorian Clinical Genetics Services, Murdoch Childrens Research Institute
Classification: Pathogenic for Houge-Janssens syndrome 1. Last evaluated: 2022-02-02. Review status: criteria provided, single submitter. Criteria: ACMG Guidelines, 2015. Collection method: clinical testing. Allele origin: germline. Inheritance: Autosomal dominant inheritance. Affected: yes.
Comment: Based on the classification scheme VCGS_Germline_v1.3.4, this variant is classified as Pathogenic. Following criteria are met: 0105 - The mechanism of disease for this gene is not clearly established. Dominant negative is a proposed mechanism of disease in this gene and is associated with PPP2R5D-related intellectual disability (MIM#616355). Missense variants in transfected HEK293 cells have demonstrated an inability to assemble into a holoenzyme complex however, co-expression with wildtype protein was not performed. Loss of function is also a potential mechanism (PMID: 32074998, PMID: 26168268). (I) 0107 - This gene is associated with autosomal dominant disease. (I) 0200 - Variant is predicted to result in a missense amino acid change from glutamic acid to lysine. (I) 0251 - This variant is heterozygous. (I) 0301 - Variant is absent from gnomAD (both v2 and v3). (SP) 0309 - An alternative amino acid change at the same position has been observed in gnomAD (v3) (1 heterozygote, 0 homozygotes). (I) 0502 - Missense variant with conflicting in silico predictions and uninformative conservation. (I) 0602 - Variant is located in a hotspot region or cluster of pathogenic variants (DECIPHER). (SP) 0801 - This variant has strong previous evidence of pathogenicity in unrelated individuals. This variant has been reported many times as pathogenic, and has been observed as de novo in multiple individuals with intellectual disability, macrocephaly, hypotonia and developmental delay (ClinVar, GeneReviews). (SP) Legend: (SP) - Supporting pathogenic, (I) - Information, (SB) - Supporting benign

New York Genome Center
Classification: Pathogenic for Houge-Janssens syndrome 1. Last evaluated: 2021-06-11. Review status: criteria provided, single submitter. Criteria: NYGC Assertion Criteria 2020. Collection method: clinical testing. Allele origin: de novo. Affected: yes. Observed: 1 heterozygote. Study: CSER-NYCKidSeq.
Comment: The de novo heterozygous c.592G>A (p.Glu198Lys) missense variant identified in the PPP2R5D gene is a known recurrent de novo pathogenic variant and has been reported in multiple unrelated individuals [PMID:28554332; PMID:28191890; PMID: 29296277; PMID: 26168268]. It is the most frequently identified variant in patients affected with PPP2R5D-Related neurodevelopmental disorder [PMID:30676711]. The variant has been reported as Pathogenic in ClinVar database [Variation ID: 190286]. The variant is absent from gnomAD(v3) database suggesting it is not a common benign variant inthe populations represented in that database. The variant affects an evolutionarily conserved residue and is predicted deleterious by multiple in silico predictiontools. In vitro functional studies showed that the p.Glu298Lys variant results in deficient PP2A holoenzyme formation [PMID: 26168268]. Based on the available evidence, the de novo heterozygous c.592G>A (p.Glu198Lys) missense variant identified in the PPP2R5D gene is reported as Pathogenic.